The following is an entry in ClinVar:

ClinVar aggregate classification (germline): Uncertain significance. Review status: criteria provided, single submitter (1 of 4 stars). 3 submissions from 1 submitter: Uncertain significance (1). 2 of the submissions do not count toward it. Last evaluated 2022-06-01.

Conditions:
Holoprosencephaly sequence (HPE). Also called: Holoprosencephaly. Identifiers: Orphanet 2162, MedGen C0079541, MONDO:0016296, HP:0001360.
Epidermolysis bullosa simplex 5B, with muscular dystrophy (EBS5B). Also called: EPIDERMOLYSIS BULLOSA SIMPLEX AND LIMB-GIRDLE MUSCULAR DYSTROPHY; Epidermolysis bullosa simplex with muscular dystrophy. Identifiers: Orphanet 257, MedGen C2931072, MONDO:0009181, OMIM 226670.
Epidermolysis bullosa simplex, Ogna type (EBS5A). Also called: EPIDERMOLYSIS BULLOSA SIMPLEX 5A, OGNA TYPE; Pidermolysis bullosa simplex 5A, Ogna type. Identifiers: Orphanet 79401, MedGen C0432317, MONDO:0007555, OMIM 131950.
Epidermolysis bullosa simplex with nail dystrophy (EBS5D). Identifiers: MedGen C4225309, MONDO:0014661, OMIM 616487.
Autosomal recessive limb-girdle muscular dystrophy type 2Q (LGMDR17). Also called: MUSCULAR DYSTROPHY, LIMB-GIRDLE, AUTOSOMAL RECESSIVE 17. Identifiers: Orphanet 254361, MedGen C3150989, MONDO:0013390, OMIM 613723.
Epidermolysis bullosa simplex 5C, with pyloric atresia (EBS5C). Also called: Epidermolysis bullosa simplex with pyloric atresia; PLEC-Related Epidermolysis Bullosa with Pyloric Atresia; PLEC1-Related Epidermolysis Bullosa with Pyloric Atresia. Identifiers: Orphanet 158684, MedGen C2677349, MONDO:0012807, OMIM 612138.

Submissions (3):

Labcorp Genetics (formerly Invitae), Labcorp
Classification: Uncertain significance for Holoprosencephaly sequence. Last evaluated: 2022-06-01. Review status: criteria provided, single submitter. Criteria: Invitae Variant Classification Sherloc (09022015). Collection method: clinical testing. Allele origin: germline.
Comment: A copy number gain of the genomic region encompassing the full coding sequence of the FOXH1 gene has been identified. The boundaries of this event are unknown as they extend beyond the assayed region for this gene and therefore may encompass additional genes. As the precise location of this event is unknown, it may be in tandem or it may be located elsewhere in the genome. This variant has not been reported in the literature in individuals affected with FOXH1-related conditions. In summary, the available evidence is currently insufficient to determine the role of this variant in disease. Therefore, it has been classified as a Variant of Uncertain Significance.

Labcorp Genetics (formerly Invitae), Labcorp
Classification: Uncertain significance for Autosomal recessive limb-girdle muscular dystrophy type 2Q; Epidermolysis bullosa simplex, Ogna type; Epidermolysis bullosa simplex with nail dystrophy; Epidermolysis bullosa simplex 5C, with pyloric atresia; Epidermolysis bullosa simplex 5B, with muscular dystrophy. Last evaluated: 2022-09-15. Review status: flagged submission. Criteria: Invitae Variant Classification Sherloc (09022015). Collection method: clinical testing. Allele origin: germline. Not counted in ClinVar's aggregate classification.
Comment: A copy number gain of the genomic region encompassing the full coding sequence of the PLEC gene has been identified. The boundaries of this event are unknown as they extend beyond the assayed region for this gene and therefore may encompass additional genes. As the precise location of this event is unknown, it may be in tandem or it may be located elsewhere in the genome. This variant has not been reported in the literature in individuals affected with PLEC-related conditions. In summary, the available evidence is currently insufficient to determine the role of this variant in disease. Therefore, it has been classified as a Variant of Uncertain Significance.
ClinVar note: Reason: This record appears to be redundant with a more recent record from the same submitter.
ClinVar note: Notes: SCV003793277 appears to be redundant with SCV003792545.

Labcorp Genetics (formerly Invitae), Labcorp
Classification: Uncertain significance. Last evaluated: 2021-08-04. Review status: flagged submission. Criteria: Invitae Variant Classification Sherloc (09022015). Collection method: clinical testing. Allele origin: germline. Not counted in ClinVar's aggregate classification.
Comment: A copy number gain of the genomic region encompassing the full coding sequence of the DGAT1 gene has been identified. The boundaries of this event are unknown as they extend beyond the assayed region for this gene and therefore may encompass additional genes. As the precise location of this event is unknown, it may be in tandem or it may be located elsewhere in the genome. This variant has not been reported in the literature in individuals with DGAT1-related conditions. In summary, the available evidence is currently insufficient to determine the role of this variant in disease. Therefore, it has been classified as a Variant of Uncertain Significance.
ClinVar note: Reason: This record appears to be redundant with a more recent record from the same submitter.
ClinVar note: Notes: SCV002186415 appears to be redundant with SCV003792545.

NC_000008.10:g.(?_143822561)_(145743168_?)dup

Genes: ADCK5 (aarF domain containing kinase 5; plus strand), BOP1 (BOP1 ribosomal biogenesis factor; minus strand), CATSPERQ (catsper channel auxiliary subunit theta; minus strand), CCDC166 (coiled-coil domain containing 166; minus strand), CPSF1 (cleavage and polyadenylation specific factor 1; minus strand) and 63 more. Cytogenetic location: 8q24.3.
Variant type: Duplication.
Identifiers: ClinVar variation 1411704 (VCV001411704.7).